The following is an entry in ClinVar:

ClinVar aggregate classification (germline): Pathogenic (1 of 4 stars; one submission).

Conditions:
Fabry disease. Also called: ALPHA-GALACTOSIDASE A DEFICIENCY; ANDERSON-FABRY DISEASE; CERAMIDE TRIHEXOSIDASE DEFICIENCY; GLA DEFICIENCY; HEREDITARY DYSTOPIC LIPIDOSIS; Angiokeratoma corporis diffusum. Identifiers: Orphanet 324, MedGen C0002986, MONDO:0010526, OMIM 301500, HP:0001071. Disease mechanism: Fabry disease is due to inactivating mutations in the X-linked GLA gene resulting in deficiency of the enzyme Alpha Galactosidase-A., loss of function.

Submission:

Genomenon, Inc
Classification: Pathogenic for Fabry disease. Last evaluated: 2026-09-08. Review status: criteria provided, single submitter. Criteria: Genomenon Sequence Variant Interpretation Standards - Updated. Collection method: curation. Allele origin: germline. Affected: yes.
Comment: GLA p.Cys52AlafsTer69 (c.154del) is a frameshift variant that is predicted to introduce a premature termination codon and result in a truncated or absent protein product. This variant has been observed in at least one proband with clinical features consistent with Fabry disease (PMID:11668641). It is absent or not present at a significant frequency in gnomAD. In conclusion, we classify GLA p.Cys52AlafsTer69 (c.154del) as a pathogenic variant.

Literature cited by the submitters: PubMed 11668641.

NM_000169.3(GLA):c.154del (p.Cys52fs)

Genes: GLA (galactosidase alpha; minus strand), RPL36A-HNRNPH2 (RPL36A-HNRNPH2 readthrough; plus strand). Cytogenetic location: Xq22.1.
Variant type: Deletion.
Coding change: c.154del on transcript NM_000169.3 (MANE Select); coding-DNA position 154, one base deleted (T; older notation c.154delT).
Protein change: p.Cys52fs; shifts the reading frame from cysteine 52.
Molecular consequence: frameshift variant. On other transcripts: non-coding transcript variant (3), intron variant (2).
Genome position (GRCh38, 1-based): chrX:101,407,750, A deleted on the plus strand (T on the coding strand, the reverse complement: GLA is on the minus strand). VCF-style (leftmost placement, unchanged base first): chrX-101407749-CA-C. GRCh37 (hg19) VCF-style: chrX-100662737-CA-C.
Other names: c.154del, p.Cys52fs (NM_001406747.1, NM_001406748.1, NM_001406749.1); c.301-4186del (NM_001199973.2); c.178-4186del (NM_001199974.2); short protein forms C52fs.
Identifiers: ClinVar variation 4087263 (VCV004087263.2).